The following is an entry in ClinVar:

ClinVar aggregate classification (germline): Conflicting classifications of pathogenicity. Review status: criteria provided, conflicting classifications (1 of 4 stars). 2 submissions from 2 submitters: Uncertain significance (1); Benign (1). Last evaluated 2026-01-28.

Conditions:
Familial thoracic aortic aneurysm and aortic dissection (TAAD). Also called: Thoracic aortic aneurysms and dissections. Identifiers: Orphanet 91387, MedGen C4707243, MONDO:0019625.
Melnick-Needles syndrome (MNS). Also called: Melnick-Needles Syndrome (FLNA-MNS); MELNICK-NEEDLES OSTEODYSPLASTY; OSTEODYSPLASTY OF MELNICK AND NEEDLES. Identifiers: Orphanet 2484, MedGen C0025237, MONDO:0010650, OMIM 309350.
Frontometaphyseal dysplasia (FMD1). Identifiers: Orphanet 1826, MedGen C0265293, MONDO:0015942.
Heterotopia, periventricular, X-linked dominant (PVNH1). Also called: X-linked periventricular heterotopia; PERIVENTRICULAR NODULAR HETEROTOPIA 4; HETEROTOPIA, PERIVENTRICULAR, 1; PERIVENTRICULAR NODULAR HETEROTOPIA 1. Identifiers: Orphanet 2149, Orphanet 82004, MedGen C1848213, MONDO:0010233, OMIM 300049.
Oto-palato-digital syndrome, type II (OPD2). Also called: Otopalatodigital Syndrome Type 2 (FLNA-OPD2); FACIOPALATOOSSEOUS SYNDROME; OPD II SYNDROME; Otopalatodigital Syndrome, Type II. Identifiers: Orphanet 669, Orphanet 90652, MedGen C1844696, MONDO:0010571, OMIM 304120.

Allele frequency attached by ClinVar (database versions not stated): gnomAD exomes 0.00001 and 0.00003; gnomAD 0.00002 and 0.00003; TOPMed 0.00003; 1000 Genomes Project 30x 0.00021; 1000 Genomes Project 0.00026.
gnomAD v4.1: 15 of 1,210,373 alleles (0.0012%); highest among the groups gnomAD compares: South Asian, 0.016%; no homozygotes.

Submissions (2):

Labcorp Genetics (formerly Invitae), Labcorp
Classification: Benign for Oto-palato-digital syndrome, type II; Heterotopia, periventricular, X-linked dominant; Frontometaphyseal dysplasia; Melnick-Needles syndrome. Last evaluated: 2026-01-28. Review status: criteria provided, single submitter. Criteria: Invitae Variant Classification Sherloc (09022015). Collection method: clinical testing. Allele origin: germline.

Ambry Genetics
Classification: Uncertain significance for Familial thoracic aortic aneurysm and aortic dissection. Last evaluated: 2024-03-12. Review status: criteria provided, single submitter. Criteria: Ambry Variant Classification Scheme 2023. Collection method: clinical testing. Allele origin: germline.
Comment: The p.D535N variant (also known as c.1603G>A), located in coding exon 10 of the FLNA gene, results from a G to A substitution at nucleotide position 1603. The aspartic acid at codon 535 is replaced by asparagine, an amino acid with highly similar properties. Based on data from gnomAD, the A allele has an overall frequency of 0.0033% (6/181645) total alleles studied, with 1 hemizygote(s) observed. The highest observed frequency was 0.0262% (5/19067) of South Asian alleles. This amino acid position is well conserved in available vertebrate species. In addition, this alteration is predicted to be tolerated by in silico analysis. Based on the available evidence, the clinical significance of this alteration remains unclear.

NM_001110556.2(FLNA):c.1603G>A (p.Asp535Asn)

Gene: FLNA (filamin A; minus strand). Cytogenetic location: Xq28.
Variant type: single nucleotide variant.
Coding change: c.1603G>A on transcript NM_001110556.2 (MANE Select); coding-DNA position 1603, G replaced by A.
Protein change: p.Asp535Asn; replaces aspartic acid 535 with asparagine.
Molecular consequence: missense variant.
Genome position (GRCh38, 1-based): chrX:154,365,224, C>T on the plus strand (G>A on the coding strand, the complement: FLNA is on the minus strand). VCF-style: chrX-154365224-C-T. GRCh37 (hg19) VCF-style: chrX-153593592-C-T.
Other names: c.1603G>A, p.Asp535Asn (NM_001456.4); short protein forms D535N.
Identifiers: ClinVar variation 239014 (VCV000239014.12), dbSNP rs782321294, ClinGen allele CA10561138.